The following is an entry in ClinVar:

NM_003002.4(SDHD):c.204_205del (p.Ser68fs)

Gene: SDHD (succinate dehydrogenase complex subunit D; plus strand). Cytogenetic location: 11q23.1.
Variant type: Deletion.
Coding change: c.204_205del on transcript NM_003002.4 (MANE Select); coding-DNA positions 204 to 205, 2 bases deleted (CG; older notation c.204_205delCG).
Protein change: p.Ser68fs; shifts the reading frame from serine 68.
Molecular consequence: frameshift variant. On other transcripts: non-coding transcript variant (1), intron variant (1).
Genome position (GRCh38, 1-based): chr11:112,088,901-112,088,902, CG deleted; deleting any 2 consecutive bases within chr11:112,088,900-112,088,902 gives the same sequence; the c. name uses the placement nearest the transcript's 3' end. VCF-style (leftmost placement, unchanged base first): chr11-112088899-AGC-A. GRCh37 (hg19) VCF-style: chr11-111959623-AGC-A.
Other names: c.87_88del, p.Ser29fs (NM_001276504.2); c.204_205del, p.Ser68fs (NM_001276506.2); c.169+928_169+929del (NM_001276503.2); short protein forms S29fs, S68fs.
Identifiers: ClinVar variation 942473 (VCV000942473.11), dbSNP rs1865686266, ClinGen allele CA1139662329.

ClinVar aggregate classification (germline): Pathogenic (1 of 4 stars; one submission).

Conditions:
Carney-Stratakis syndrome. Also called: PARAGANGLIOMA AND GASTROINTESTINAL STROMAL TUMOR. Identifiers: Orphanet 97286, MedGen C1847319, MONDO:0011740, OMIM 606864.
Pheochromocytoma. Also called: MAX-Related Hereditary Paraganglioma-Pheochromocytoma Syndrome. Identifiers: Orphanet 29072, MedGen C0031511, MONDO:0008233, OMIM 171300, HP:0002666.
Paragangliomas with sensorineural hearing loss. Identifiers: MedGen C1868633.
Cowden syndrome 3 (CWS3). Identifiers: Orphanet 201, MedGen CN166604, MONDO:0014045.

Submission:

Labcorp Genetics (formerly Invitae), Labcorp
Classification: Pathogenic for Carney-Stratakis syndrome; Paragangliomas with sensorineural hearing loss; Pheochromocytoma; Cowden syndrome 3. Last evaluated: 2019-09-27. Review status: criteria provided, single submitter. Criteria: Invitae Variant Classification Sherloc (09022015). Collection method: clinical testing. Allele origin: germline.
Comment: For these reasons, this variant has been classified as Pathogenic. This variant disrupts the C-terminus of the SDHD protein. Other variant(s) that disrupt this region (p.Asp113Metfs*21, p.Ser132Glnfs*3, Leu139Pro) have been determined to be pathogenic (PMID: 12111639, 27539324,22517554, 21348866, 17848412, 11391798). This suggests that variants that disrupt this region of the protein are likely to be causative of disease. Algorithms developed to predict the effect of sequence changes on RNA splicing suggest that this variant may create or strengthen a splice site, but this prediction has not been confirmed by published transcriptional studies. This variant has not been reported in the literature in individuals with SDHD-related conditions. This variant is not present in population databases (ExAC no frequency). This sequence change results in a premature translational stop signal in the SDHD gene (p.Ser68Argfs*45). While this is not anticipated to result in nonsense mediated decay, it is expected to disrupt the last 92 amino acids of the SDHD protein.

Literature cited by the submitters: PubMed 12111639; PubMed 27539324; PubMed 22517554; PubMed 21348866; PubMed 17848412; PubMed 11391798.